The following is an entry in ClinVar:

NM_001035.3(RYR2):c.6245G>C (p.Arg2082Thr)

Gene: RYR2 (ryanodine receptor 2; plus strand). Cytogenetic location: 1q43.
Variant type: single nucleotide variant.
Coding change: c.6245G>C on transcript NM_001035.3 (MANE Select); coding-DNA position 6245, G replaced by C.
Protein change: p.Arg2082Thr; replaces arginine 2082 with threonine.
Molecular consequence: missense variant.
Genome position (GRCh38, 1-based): chr1:237,627,885, G>C. VCF-style: chr1-237627885-G-C. GRCh37 (hg19) VCF-style: chr1-237791185-G-C.
Other names: short protein forms R2082T.
Identifiers: ClinVar variation 4681036 (VCV004681036.1).
Genomic context (GRCh38, chr1:237,627,885, plus strand): 5'-TTTCTGAGACCATGGTCCGATGGGCTCAGGAGTCTGTCATTGAAGACCCCGAGCTGGTGA[G>C]GGCCATGTTTGTGTTGCTCCATCGGCAGTATGACGGCATTGGGGGTCTTGTTCGGGCCCT-3'
Protein context (NP_001026.2, residues 2072-2092): ESVIEDPELV[Arg2082Thr]AMFVLLHRQY

ClinVar aggregate classification (germline): Uncertain significance (1 of 4 stars; one submission).

Submission:

GeneDx
Classification: Uncertain significance. Last evaluated: 2025-07-01. Review status: criteria provided, single submitter. Criteria: GeneDx Variant Classification Process June 2021. Collection method: clinical testing. Allele origin: germline. Affected: yes.
Comment: Not observed at significant frequency in large population cohorts (gnomAD); In silico analysis supports that this missense variant has a deleterious effect on protein structure/function; Has not been previously published as pathogenic or benign to our knowledge; Not located in one of the three hot-spot regions of the RYR2 gene, where the majority of pathogenic missense variants occur (PMID: 19926015); This variant is associated with the following publications: (PMID: 19926015)